The following is an entry in ClinVar:

NM_021813.4(BACH2):c.524C>T (p.Thr175Met)

Gene: BACH2 (BACH transcriptional regulator 2; minus strand). Cytogenetic location: 6q15.
Variant type: single nucleotide variant.
Coding change: c.524C>T on transcript NM_021813.4 (MANE Select); coding-DNA position 524, C replaced by T.
Protein change: p.Thr175Met; replaces threonine 175 with methionine.
Molecular consequence: missense variant.
Genome position (GRCh38, 1-based): chr6:89,951,582, G>A on the plus strand (C>T on the coding strand, the complement: BACH2 is on the minus strand). VCF-style: chr6-89951582-G-A. GRCh37 (hg19) VCF-style: chr6-90661301-G-A.
Other names: c.524C>T, p.Thr175Met (NM_001170794.2); short protein forms T175M.
Identifiers: ClinVar variation 2197253 (VCV002197253.4), dbSNP rs546286243, ClinGen allele CA3928150.

ClinVar aggregate classification (germline): Uncertain significance (1 of 4 stars; one submission).

Allele frequency attached by ClinVar (database versions not stated): gnomAD 0.00001; TOPMed 0.00001; 1000 Genomes Project 30x 0.00016; 1000 Genomes Project 0.00020.
gnomAD v4.1: 19 of 1,614,122 alleles (0.0012%); highest among the groups gnomAD compares: East Asian, 0.0089%; no homozygotes.

Submission:

Labcorp Genetics (formerly Invitae), Labcorp
Classification: Uncertain significance. Last evaluated: 2026-02-01. Review status: criteria provided, single submitter. Criteria: Invitae Variant Classification Sherloc (09022015). Collection method: clinical testing. Allele origin: germline.
Comment: This sequence change replaces threonine, which is neutral and polar, with methionine, which is neutral and non-polar, at codon 175 of the BACH2 protein (p.Thr175Met). This variant is present in population databases (rs546286243, gnomAD 0.01%). This variant has not been reported in the literature in individuals affected with BACH2-related conditions. ClinVar contains an entry for this variant (Variation ID: 2197253). Invitae Evidence Modeling of protein sequence and biophysical properties (such as structural, functional, and spatial information, amino acid conservation, physicochemical variation, residue mobility, and thermodynamic stability) indicates that this missense variant is not expected to disrupt BACH2 protein function with a negative predictive value of 80%. In summary, the available evidence is currently insufficient to determine the role of this variant in disease. Therefore, it has been classified as a Variant of Uncertain Significance.